The following is an entry in ClinVar:

ClinVar aggregate classification (germline): Uncertain significance. Review status: criteria provided, multiple submitters, no conflicts (2 of 4 stars). 4 submissions from 4 submitters: Uncertain significance (3). 1 of the submissions does not count toward it. Last evaluated 2026-04-23.

Conditions:
Early-infantile DEE. Also called: Ohtahara syndrome; Early infantile epileptic encephalopathy with suppression bursts; Early infantile epileptic encephalopathy. Identifiers: Orphanet 1934, MedGen C0393706, MONDO:0800491.
Seizures, benign familial neonatal, 1. Also called: KCNQ2-Related Self-Limited Familial Neonatal Epilepsy (SLFNE); KCNQ2-Related Benign Familial Neonatal Epilepsy; Benign Neonatal Epilepsy 1; Seizures, benign neonatal, 1. Identifiers: Orphanet 1949, MedGen C3149074, MONDO:0007365, OMIM 121200.
Inborn genetic diseases. Identifiers: MedGen C0950123, MeSH D030342.

Submissions (4):

Ambry Genetics
Classification: Uncertain significance for Inborn genetic diseases. Last evaluated: 2026-04-23. Review status: criteria provided, single submitter. Criteria: Ambry Variant Classification Scheme 2023. Collection method: clinical testing. Allele origin: germline.
Comment: The c.1118+3A>G intronic alteration consists of a A to G substitution nucleotides after coding exon 8 in the KCNQ2 gene. This variant was not reported in population-based cohorts in the Genome Aggregation Database (gnomAD). Based on insufficient or conflicting evidence, the clinical significance of this alteration remains unclear.

Labcorp Genetics (formerly Invitae), Labcorp
Classification: Uncertain significance for Early-infantile DEE. Last evaluated: 2024-10-22. Review status: criteria provided, single submitter. Criteria: Invitae Variant Classification Sherloc (09022015). Collection method: clinical testing. Allele origin: germline.
Comment: This sequence change falls in intron 8 of the KCNQ2 gene. It does not directly change the encoded amino acid sequence of the KCNQ2 protein. It affects a nucleotide within the consensus splice site. This variant is not present in population databases (gnomAD no frequency). This variant has been observed in individual(s) with benign familial neonatal-infantile seizures (PMID: 23360469). ClinVar contains an entry for this variant (Variation ID: 369785). Variants that disrupt the consensus splice site are a relatively common cause of aberrant splicing (PMID: 17576681, 9536098). Algorithms developed to predict the effect of sequence changes on RNA splicing suggest that this variant may disrupt the consensus splice site. In summary, the available evidence is currently insufficient to determine the role of this variant in disease. Therefore, it has been classified as a Variant of Uncertain Significance.

CeGaT Center for Human Genetics Tuebingen
Classification: Uncertain significance. Last evaluated: 2022-04-01. Review status: criteria provided, single submitter. Criteria: CeGaT Center For Human Genetics Tuebingen Variant Classification Criteria Version 2. Collection method: clinical testing. Allele origin: germline. Affected: yes. Observed: 1 variant allele.
Comment: KCNQ2: PM2, PS4:Supporting

GeneReviews
No classification provided. Condition: Seizures, benign familial neonatal, 1. Review status: no classification provided. Collection method: literature only. Allele origin: germline. Affected: yes. Not counted in ClinVar's aggregate classification.
Comment: BFNE (benign familial neonatal epilepsy)

Literature cited by the submitters: PubMed 23360469 (cited by 3 submitters); PubMed 17576681 (cited by Labcorp Genetics (formerly Invitae), Labcorp); PubMed 9536098 (cited by Labcorp Genetics (formerly Invitae), Labcorp); NCBI Bookshelf NBK32534 (cited by GeneReviews).

NM_172107.4(KCNQ2):c.1118+3A>G

Gene: KCNQ2 (potassium voltage-gated channel subfamily Q member 2; minus strand). Cytogenetic location: 20q13.33.
Variant type: single nucleotide variant.
Coding change: c.1118+3A>G on transcript NM_172107.4 (MANE Select); 3 bases into the intron after coding-DNA position 1118, A replaced by G.
Molecular consequence: intron variant. On other transcripts: missense variant (1).
Genome position (GRCh38, 1-based): chr20:63,433,806, T>C on the plus strand (A>G on the coding strand, the complement: KCNQ2 is on the minus strand). VCF-style: chr20-63433806-T-C. GRCh37 (hg19) VCF-style: chr20-62065159-T-C.
Other names: c.1121A>G, p.Tyr374Cys (NM_172109.3); c.1118+3A>G (NM_004518.6, NM_172108.5, NM_172106.3); short protein forms Y374C.
Identifiers: ClinVar variation 369785 (VCV000369785.39), dbSNP rs1057516112, ClinGen allele CA10654794.